The following is an entry in ClinVar:

NM_017875.4(SLC25A38):c.792+160A>C

Gene: SLC25A38 (solute carrier family 25 member 38; plus strand). Cytogenetic location: 3p22.1.
Variant type: single nucleotide variant.
Coding change: c.792+160A>C on transcript NM_017875.4 (MANE Select); 160 bases into the intron after coding-DNA position 792, A replaced by C.
Molecular consequence: intron variant.
Genome position (GRCh38, 1-based): chr3:39,394,736, A>C. VCF-style: chr3-39394736-A-C. GRCh37 (hg19) VCF-style: chr3-39436227-A-C.
Other names: c.626-1662A>C (NM_001354798.2).
Identifiers: ClinVar variation 683972 (VCV000683972.1), dbSNP rs35616367, ClinGen allele CA15261867.

ClinVar aggregate classification (germline): Benign (1 of 4 stars; one submission).

Allele frequency attached by ClinVar (database versions not stated): gnomAD 0.26441; 1000 Genomes Project 0.25080; 1000 Genomes Project 30x 0.25187; TOPMed 0.25991.
gnomAD v4.1: 40,627 of 151,968 alleles (27%); highest among the groups gnomAD compares: Non-Finnish European, 32%; 5,984 homozygotes.

Submission:

GeneDx
Classification: Benign. Last evaluated: 2018-06-14. Review status: criteria provided, single submitter. Criteria: GeneDx Variant Classification (06012015). Collection method: clinical testing. Allele origin: germline. Affected: yes.
Comment: This variant is considered likely benign or benign based on one or more of the following criteria: it is a conservative change, it occurs at a poorly conserved position in the protein, it is predicted to be benign by multiple in silico algorithms, and/or has population frequency not consistent with disease.